The following is an entry in ClinVar:

NM_004360.5(CDH1):c.2168T>C (p.Leu723Pro)

Gene: CDH1 (cadherin 1; plus strand). Cytogenetic location: 16q22.1.
Variant type: single nucleotide variant.
Coding change: c.2168T>C on transcript NM_004360.5 (MANE Select); coding-DNA position 2168, T replaced by C.
Protein change: p.Leu723Pro; replaces leucine 723 with proline.
Molecular consequence: missense variant.
Genome position (GRCh38, 1-based): chr16:68,828,177, T>C. VCF-style: chr16-68828177-T-C. GRCh37 (hg19) VCF-style: chr16-68862080-T-C.
Other names: c.1985T>C, p.Leu662Pro (NM_001317184.2); c.620T>C, p.Leu207Pro (NM_001317185.2); c.203T>C, p.Leu68Pro (NM_001317186.2); short protein forms L662P, L68P, L723P, L207P.
Identifiers: ClinVar variation 2087501 (VCV002087501.4), dbSNP rs2152141374, ClinGen allele CA396469250.

ClinVar aggregate classification (germline): Uncertain significance (1 of 4 stars; one submission).

Conditions:
Hereditary diffuse gastric adenocarcinoma (HDGC). Also called: DIFFUSE GASTRIC AND LOBULAR BREAST CANCER SYNDROME. Identifiers: Orphanet 26106, MedGen C1708349, MONDO:0007648, OMIM 137215.

Submission:

Labcorp Genetics (formerly Invitae), Labcorp
Classification: Uncertain significance for Hereditary diffuse gastric adenocarcinoma. Last evaluated: 2022-01-24. Review status: criteria provided, single submitter. Criteria: Invitae Variant Classification Sherloc (09022015). Collection method: clinical testing. Allele origin: germline.
Comment: Algorithms developed to predict the effect of missense changes on protein structure and function (SIFT, PolyPhen-2, Align-GVGD) all suggest that this variant is likely to be disruptive. In summary, the available evidence is currently insufficient to determine the role of this variant in disease. Therefore, it has been classified as a Variant of Uncertain Significance. This variant has not been reported in the literature in individuals affected with CDH1-related conditions. This variant is not present in population databases (gnomAD no frequency). This sequence change replaces leucine, which is neutral and non-polar, with proline, which is neutral and non-polar, at codon 723 of the CDH1 protein (p.Leu723Pro).